The following is an entry in ClinVar:

NM_000018.4(ACADVL):c.1842C>G (p.Ile614Met)

Gene: ACADVL (acyl-CoA dehydrogenase very long chain; plus strand). Cytogenetic location: 17p13.1.
Variant type: single nucleotide variant.
Coding change: c.1842C>G on transcript NM_000018.4 (MANE Select); coding-DNA position 1842, C replaced by G.
Protein change: p.Ile614Met; replaces isoleucine 614 with methionine.
Molecular consequence: missense variant.
Genome position (GRCh38, 1-based): chr17:7,224,971, C>G. VCF-style: chr17-7224971-C-G. GRCh37 (hg19) VCF-style: chr17-7128290-C-G.
Other names: c.1776C>G, p.Ile592Met (NM_001033859.3); c.1911C>G, p.Ile637Met (NM_001270447.2); c.1614C>G, p.Ile538Met (NM_001270448.2); short protein forms I637M, I538M, I614M, I592M.
Identifiers: ClinVar variation 1998435 (VCV001998435.4), dbSNP rs2508373200, ClinGen allele CA397726013.
Genomic context (GRCh38, chr17:7,224,971, plus strand): 5'-GTGAGGGCTGGAGGTGCAGGCCCAACCCCTCCTTCCCTCTCCCCAGGCTGCAGCTCGGAT[C>G]CGAGAGGGCATGGCCGCCCTGCAGTCTGACCCCTGGCAGCAAGAGCTCTACCGCAACTTC-3'
Protein context (NP_000009.1, residues 604-624): DTWCIEAAAR[Ile614Met]REGMAALQSD

ClinVar aggregate classification (germline): Uncertain significance (1 of 4 stars; one submission).

Conditions:
Very long chain acyl-CoA dehydrogenase deficiency (ACADVLD). Also called: Very Long-Chain Acyl-Coenzyme A Dehydrogenase Deficiency; VLCAD Deficiency. Identifiers: Orphanet 26793, MedGen C3887523, MONDO:0008723, OMIM 201475.

Submission:

Labcorp Genetics (formerly Invitae), Labcorp
Classification: Uncertain significance for Very long chain acyl-CoA dehydrogenase deficiency. Last evaluated: 2023-07-10. Review status: criteria provided, single submitter. Criteria: Invitae Variant Classification Sherloc (09022015). Collection method: clinical testing. Allele origin: germline.
Comment: In summary, the available evidence is currently insufficient to determine the role of this variant in disease. Therefore, it has been classified as a Variant of Uncertain Significance. Advanced modeling of protein sequence and biophysical properties (such as structural, functional, and spatial information, amino acid conservation, physicochemical variation, residue mobility, and thermodynamic stability) performed at Invitae indicates that this missense variant is expected to disrupt ACADVL protein function. ClinVar contains an entry for this variant (Variation ID: 1998435). This variant has not been reported in the literature in individuals affected with ACADVL-related conditions. This variant is not present in population databases (gnomAD no frequency). This sequence change replaces isoleucine, which is neutral and non-polar, with methionine, which is neutral and non-polar, at codon 614 of the ACADVL protein (p.Ile614Met).